The following is an entry in ClinVar:

NM_005762.3(TRIM28):c.1663-3C>G

Gene: TRIM28 (tripartite motif containing 28; plus strand). Cytogenetic location: 19q13.43.
Variant type: single nucleotide variant.
Coding change: c.1663-3C>G on transcript NM_005762.3 (MANE Select); 3 bases into the intron before coding-DNA position 1663, C replaced by G.
Molecular consequence: intron variant.
Genome position (GRCh38, 1-based): chr19:58,549,328, C>G. VCF-style: chr19-58549328-C-G. GRCh37 (hg19) VCF-style: chr19-59060695-C-G.
Identifiers: ClinVar variation 4718035 (VCV004718035.1).

ClinVar aggregate classification (germline): Uncertain significance (1 of 4 stars; one submission).

Submission:

Labcorp Genetics (formerly Invitae), Labcorp
Classification: Uncertain significance. Last evaluated: 2025-04-21. Review status: criteria provided, single submitter. Criteria: Invitae Variant Classification Sherloc (09022015). Collection method: clinical testing. Allele origin: germline.
Comment: This sequence change falls in intron 12 of the TRIM28 gene. It does not directly change the encoded amino acid sequence of the TRIM28 protein. It affects a nucleotide within the consensus splice site. This variant is not present in population databases (gnomAD no frequency). This variant has not been reported in the literature in individuals affected with TRIM28-related conditions. Variants that disrupt the consensus splice site are a relatively common cause of aberrant splicing (PMID: 17576681, 9536098). Algorithms developed to predict the effect of sequence changes on RNA splicing suggest that this variant may disrupt the consensus splice site. In summary, the available evidence is currently insufficient to determine the role of this variant in disease. Therefore, it has been classified as a Variant of Uncertain Significance.

Literature cited by the submitters: PubMed 17576681; PubMed 9536098.